The following is an entry in ClinVar:

ClinVar aggregate classification (germline): Uncertain significance (1 of 4 stars; one submission).

Conditions:
Joubert syndrome 18 (JBTS18). Identifiers: Orphanet 2754, MedGen C3553758, MONDO:0013896, OMIM 614815.
Orofacial-digital syndrome IV (OFD4). Also called: BARAITSER-BURN SYNDROME; MOHR-MAJEWSKI SYNDROME; OFD SYNDROME WITH TIBIAL DEFECTS; OFD SYNDROME, BARAITSER-BURN TYPE; OFDS IV; ORAL-FACIAL-DIGITAL SYNDROME, TYPE IV. Identifiers: Orphanet 2753, MedGen C0406727, MONDO:0009794, OMIM 258860.

Allele frequency attached by ClinVar (database versions not stated): gnomAD exomes below 0.00001 and 0.00002; ExAC 0.00005.
gnomAD v4.1: 8 of 1,551,602 alleles (0.00052%); highest among the groups gnomAD compares: Non-Finnish European, 0.0007%; no homozygotes.

Submission:

Labcorp Genetics (formerly Invitae), Labcorp
Classification: Uncertain significance for Joubert syndrome 18; Orofacial-digital syndrome IV. Last evaluated: 2020-11-18. Review status: criteria provided, single submitter. Criteria: Invitae Variant Classification Sherloc (09022015). Collection method: clinical testing. Allele origin: germline.
Comment: This variant has not been reported in the literature in individuals with TCTN3-related conditions. This variant is present in population databases (rs759598264, ExAC 0.01%). This sequence change replaces leucine with valine at codon 6 of the TCTN3 protein (p.Leu6Val). The leucine residue is moderately conserved and there is a small physicochemical difference between leucine and valine. Algorithms developed to predict the effect of missense changes on protein structure and function are either unavailable or do not agree on the potential impact of this missense change (SIFT: "Deleterious"; PolyPhen-2: "Possibly Damaging"; Align-GVGD: "Class C0"). In summary, the available evidence is currently insufficient to determine the role of this variant in disease. Therefore, it has been classified as a Variant of Uncertain Significance.

NM_015631.6(TCTN3):c.16C>G (p.Leu6Val)

Genes: TCTN3 (tectonic family member 3; minus strand), LOC130004408 (ATAC-STARR-seq lymphoblastoid active region 3801; plus strand). Cytogenetic location: 10q24.1.
Variant type: single nucleotide variant.
Coding change: c.16C>G on transcript NM_015631.6 (MANE Select); coding-DNA position 16, C replaced by G.
Protein change: p.Leu6Val; replaces leucine 6 with valine.
Molecular consequence: missense variant.
Genome position (GRCh38, 1-based): chr10:95,693,884, G>C on the plus strand (C>G on the coding strand, the complement: TCTN3 is on the minus strand). VCF-style: chr10-95693884-G-C. GRCh37 (hg19) VCF-style: chr10-97453641-G-C.
Other names: c.16C>G, p.Leu6Val (NM_001143973.2); short protein forms L6V.
Identifiers: ClinVar variation 1355679 (VCV001355679.6), dbSNP rs759598264, ClinGen allele CA5621209.
Genomic context (GRCh38, chr10:95,693,884, plus strand): 5'-AAGAGGGCTGAGGCCGGACGCCATCGGGGAACACCAGAAAGAACACTTGCAGGAGCGCGA[G>C]CTGTGGGGTGCGCATGGGGCATTCAGGGCCTCCGGGTCCGACGTAGGCCTCCGCGGTCTC-3'
Protein context (NP_056446.4, residues 1-16): MRTPQ[Leu6Val]ALLQVFFLVF